The following is an entry in ClinVar:

NM_007294.4(BRCA1):c.-19-463C>T

Genes: BRCA1 (BRCA1 DNA repair associated; minus strand), LOC111589215 (BRCA1 promoter region; plus strand). Cytogenetic location: 17q21.31.
Variant type: single nucleotide variant.
Coding change: c.-19-463C>T on transcript NM_007294.4 (MANE Select); 463 bases into the intron before 19 bases upstream of the start codon, C replaced by T.
Molecular consequence: intron variant.
Genome position (GRCh38, 1-based): chr17:43,124,578, G>A on the plus strand (C>T on the coding strand, the complement: BRCA1 is on the minus strand). VCF-style: chr17-43124578-G-A. GRCh37 (hg19) VCF-style: chr17-41276595-G-A.
Other names: c.-106-463C>T (NM_007297.4); c.-19-463C>T (NM_007299.4, NM_007300.4).
Identifiers: ClinVar variation 1692958 (VCV001692958.1), dbSNP rs958558304, ClinGen allele CA290828004.
Genomic context (GRCh38, chr17:43,124,578, plus strand): 5'-TCCCAGTGACCTGCTCTCATCTCTGGATCCTCCTCAAGCACATCCCTGCCGGCAGCATCT[G>A]TTACTACTGACGCTCCTCTACTTCCCTCTTGCGCTTTCTCAATGGCGCAAATGGATCCAG-3'

ClinVar aggregate classification (germline): Uncertain significance (1 of 4 stars; one submission).

Conditions:
Hereditary cancer-predisposing syndrome. Also called: Hereditary neoplastic syndrome; Tumor predisposition; Neoplastic Syndromes, Hereditary; Hereditary Cancer Syndrome. Identifiers: Orphanet 140162, MedGen C0027672, MeSH D009386, MONDO:0015356.

Allele frequency attached by ClinVar (database versions not stated): gnomAD 0.00001; TOPMed 0.00002.
gnomAD v4.1: 2 of 152,084 alleles (0.0013%); highest among the groups gnomAD compares: African/African-American, 0.0024%; no homozygotes.

Submission:

Sema4
Classification: Uncertain significance for Hereditary cancer-predisposing syndrome. Last evaluated: 2022-02-13. Review status: criteria provided, single submitter. Criteria: Sema4 Curation Guidelines. Collection method: curation. Allele origin: germline.
Comment: The BRCA1 c.-19-463C>T variant has been reported in heterozygosity in at least one individual with breast and/or ovarian cancer (PMID: 29236234). It was not observed in the large and broad cohorts of the Genome Aggregation Database. The variant has not been reported in ClinVar. Functional studies have not been performed, and in silico predictions of the variant's effect on protein function are inconclusive. The evidence is insufficient to meet ACMG/AMP criteria for classifying the variant as benign or pathogenic. Thus, the clinical significance of this variant is currently uncertain.

Literature cited by the submitters: PubMed 29236234.